The following is an entry in ClinVar:

ClinVar aggregate classification (germline): Pathogenic/Likely pathogenic. Review status: criteria provided, multiple submitters, no conflicts (2 of 4 stars). 2 submissions from 2 submitters: Pathogenic (1); Likely pathogenic (1). Last evaluated 2017-08-31.

Conditions:
Deafness-lymphedema-leukemia syndrome. Also called: Emberger syndrome; Lymphedema, primary, with myelodysplasia. Identifiers: Orphanet 3226, MedGen C3279664, MONDO:0013540, OMIM 614038.
Monocytopenia with susceptibility to infections. Also called: Dendritic cell, monocyte, B lymphocyte, and natural killer lymphocyte deficiency; MONOCYTOPENIA AND MYCOBACTERIAL INFECTION SYNDROME; MONOCYTOPENIA WITH SUSCEPTIBILITY TO MYCOBACTERIAL, FUNGAL, AND PAPILLOMAVIRUS INFECTIONS AND MYELODYSPLASIA; COMBINED IMMUNODEFICIENCY WITH SUSCEPTIBILITY TO MYCOBACTERIAL, VIRAL, AND FUNGAL INFECTIONS; IMMUNODEFICIENCY 21; GATA2 DEFICIENCY. Identifiers: Orphanet 228423, MedGen C3280030, MONDO:0013607, OMIM 614172.

Submissions (2):

PreventionGenetics, part of Exact Sciences
Classification: Likely pathogenic. Last evaluated: 2017-08-31. Review status: criteria provided, single submitter. Criteria: ACMG Guidelines, 2015. Collection method: clinical testing. Allele origin: germline.

Labcorp Genetics (formerly Invitae), Labcorp
Classification: Pathogenic for Monocytopenia with susceptibility to infections; Deafness-lymphedema-leukemia syndrome. Last evaluated: 2017-08-29. Review status: criteria provided, single submitter. Criteria: Invitae Variant Classification Sherloc (09022015). Collection method: clinical testing. Allele origin: germline.
Comment: For these reasons, this variant has been classified as Pathogenic. Loss-of-function variants in GATA2 are known to be pathogenic (PMID: 21670465, 23223431). This variant has not been reported in the literature in individuals with GATA2-related disease. This variant is not present in population databases (ExAC no frequency). This sequence change creates a premature translational stop signal (p.Glu219*) in the GATA2 gene. It is expected to result in an absent or disrupted protein product.

Literature cited by the submitters: PubMed 21670465 (cited by Labcorp Genetics (formerly Invitae), Labcorp); PubMed 23223431 (cited by Labcorp Genetics (formerly Invitae), Labcorp).

NM_032638.5(GATA2):c.649_653dup (p.Thr218_Glu219insTer)

Gene: GATA2 (GATA binding protein 2; minus strand). Cytogenetic location: 3q21.3.
Variant type: Duplication.
Coding change: c.649_653dup on transcript NM_032638.5 (MANE Select); coding-DNA positions 649 to 653, 5 bases duplicated (CTGAC; older notation c.649_653dupCTGAC).
Protein change: p.Thr218_Glu219insTer.
Molecular consequence: nonsense, inframe insertion.
Genome position (GRCh38, 1-based): chr3:128,485,945-128,485,949, GTCAG duplicated on the plus strand (CTGAC on the coding strand, the reverse complement: GATA2 is on the minus strand). VCF-style (leftmost placement, unchanged base first): chr3-128485944-C-CGTCAG. GRCh37 (hg19) VCF-style: chr3-128204787-C-CGTCAG.
Other names: c.649_653dupCTGAC (NM_032638.4); c.649_653dup, p.Thr218_Glu219insTer (NM_001145661.2, NM_001145662.1).
Identifiers: ClinVar variation 539711 (VCV000539711.8), dbSNP rs1553770949, ClinGen allele CA658796373.